The following is an entry in ClinVar:

ClinVar aggregate classification (germline): Benign/Likely benign. Review status: criteria provided, multiple submitters, no conflicts (2 of 4 stars). 6 submissions from 6 submitters: Benign (3); Likely benign (3). Last evaluated 2024-11-11.

Allele frequency attached by ClinVar (database versions not stated): gnomAD 0.00969; ESP Exome Variant Server 0.00983; TOPMed 0.01022; 1000 Genomes Project 0.01218; 1000 Genomes Project 30x 0.01234.
gnomAD v4.1: 2,733 of 1,613,756 alleles (0.17%); highest among the groups gnomAD compares: African/African-American, 3.3%; 36 homozygotes.

Submissions (6):

Blueprint Genetics
Classification: Benign. Last evaluated: 2024-11-11. Review status: criteria provided, single submitter. Criteria: ACMG Guidelines, 2015. Collection method: clinical testing. Allele origin: germline.

Labcorp Genetics (formerly Invitae), Labcorp
Classification: Benign. Last evaluated: 2019-12-31. Review status: criteria provided, single submitter. Criteria: Invitae Variant Classification Sherloc (09022015). Collection method: clinical testing. Allele origin: germline.

GeneDx
Classification: Likely benign. Last evaluated: 2018-07-14. Review status: criteria provided, single submitter. Criteria: GeneDx Variant Classification Process June 2021. Collection method: clinical testing. Allele origin: germline. Affected: yes.

Center for Pediatric Genomic Medicine, Children's Mercy Hospital and Clinics
Classification: Benign. Last evaluated: 2017-06-15. Review status: criteria provided, single submitter. Criteria: ACMG Guidelines, 2015. Collection method: clinical testing. Allele origin: germline.

Genetic Services Laboratory, University of Chicago
Classification: Likely benign. Last evaluated: 2014-01-08. Review status: criteria provided, single submitter. Criteria: ACMG Guidelines, 2007. Collection method: clinical testing. Allele origin: germline. Inheritance: Autosomal dominant inheritance.
Comment: Likely benign based on allele frequency in 1000 Genomes Project or ESP global frequency and its presence in a patient with a rare or unrelated disease phenotype. NOT Sanger confirmed

Breakthrough Genomics
Classification: Likely benign. Review status: criteria provided, single submitter. Criteria: ACMG Guidelines, 2015. Collection method: not provided. Allele origin: germline. Inheritance: Autosomal dominant inheritance. Affected: yes.

NM_019066.5(MAGEL2):c.2611G>T (p.Ala871Ser)

Gene: MAGEL2 (MAGE family member L2; minus strand). Cytogenetic location: 15q11.2.
Variant type: single nucleotide variant.
Coding change: c.2611G>T on transcript NM_019066.5 (MANE Select); coding-DNA position 2611, G replaced by T.
Protein change: p.Ala871Ser; replaces alanine 871 with serine.
Molecular consequence: missense variant.
Genome position (GRCh38, 1-based): chr15:23,645,132, C>A on the plus strand (G>T on the coding strand, the complement: MAGEL2 is on the minus strand). VCF-style: chr15-23645132-C-A. GRCh37 (hg19) VCF-style: chr15-23890279-C-A.
Other names: short protein forms A871S.
Identifiers: ClinVar variation 158810 (VCV000158810.15), dbSNP rs2233066, ClinGen allele CA172479.